The following is an entry in ClinVar:

NM_198576.4(AGRN):c.2824G>A (p.Val942Ile)

Gene: AGRN (agrin; plus strand). Cytogenetic location: 1p36.33.
Variant type: single nucleotide variant.
Coding change: c.2824G>A on transcript NM_198576.4 (MANE Select); coding-DNA position 2824, G replaced by A.
Protein change: p.Val942Ile; replaces valine 942 with isoleucine.
Molecular consequence: missense variant.
Genome position (GRCh38, 1-based): chr1:1,046,178, G>A. VCF-style: chr1-1046178-G-A. GRCh37 (hg19) VCF-style: chr1-981558-G-A.
Other names: c.2824G>A, p.Val942Ile (NM_001305275.2); c.2509G>A, p.Val837Ile (NM_001364727.2); short protein forms V942I, V837I.
Identifiers: ClinVar variation 1939484 (VCV001939484.4), dbSNP rs1448054808, ClinGen allele CA337843930.

ClinVar aggregate classification (germline): Uncertain significance (1 of 4 stars; one submission).

Conditions:
Congenital myasthenic syndrome 8. Also called: MYASTHENIC SYNDROME, CONGENITAL, DUE TO AGRIN DEFICIENCY; Myasthenic syndrome, congenital, 8, with pre- and postsynaptic defects. Identifiers: Orphanet 590, MedGen C3808739, MONDO:0014052, OMIM 615120.

Allele frequency attached by ClinVar (database versions not stated): gnomAD exomes below 0.00001; gnomAD 0.00001; TOPMed 0.00001.
gnomAD v4.1: 4 of 1,613,740 alleles (0.00025%); highest among the groups gnomAD compares: African/African-American, 0.0053%; no homozygotes.

Submission:

Labcorp Genetics (formerly Invitae), Labcorp
Classification: Uncertain significance for Congenital myasthenic syndrome 8. Last evaluated: 2022-06-28. Review status: criteria provided, single submitter. Criteria: Invitae Variant Classification Sherloc (09022015). Collection method: clinical testing. Allele origin: germline.
Comment: In summary, the available evidence is currently insufficient to determine the role of this variant in disease. Therefore, it has been classified as a Variant of Uncertain Significance. Algorithms developed to predict the effect of missense changes on protein structure and function output the following: SIFT: "Deleterious"; PolyPhen-2: "Benign"; Align-GVGD: "Class C0". The isoleucine amino acid residue is found in multiple mammalian species, which suggests that this missense change does not adversely affect protein function. This variant has not been reported in the literature in individuals affected with AGRN-related conditions. This variant is present in population databases (no rsID available, gnomAD 0.007%). This sequence change replaces valine, which is neutral and non-polar, with isoleucine, which is neutral and non-polar, at codon 942 of the AGRN protein (p.Val942Ile).